The following is an entry in ClinVar:

NM_015080.4(NRXN2):c.3213C>G (p.Leu1071=)

Gene: NRXN2 (neurexin 2; minus strand). Cytogenetic location: 11q13.1.
Variant type: single nucleotide variant.
Coding change: c.3213C>G on transcript NM_015080.4 (MANE Select); coding-DNA position 3213, C replaced by G.
Protein change: p.Leu1071=; no amino-acid change (leucine 1071 retained).
Molecular consequence: synonymous variant.
Genome position (GRCh38, 1-based): chr11:64,648,804, G>C on the plus strand (C>G on the coding strand, the complement: NRXN2 is on the minus strand). VCF-style: chr11-64648804-G-C. GRCh37 (hg19) VCF-style: chr11-64416276-G-C.
Other names: c.3213C>G, p.Leu1071= (NM_001376262.1); c.3192C>G, p.Leu1064= (NM_001376263.1, NM_001376267.1); c.3168C>G, p.Leu1056= (NM_001376265.1); c.3189C>G, p.Leu1063= (NM_001376266.1); c.3093C>G, p.Leu1031= (NM_138732.3); c.3213C>G (NM_015080.3).
Identifiers: ClinVar variation 211705 (VCV000211705.13), dbSNP rs139264192, ClinGen allele CA208230.

ClinVar aggregate classification (germline): Benign/Likely benign. Review status: criteria provided, multiple submitters, no conflicts (2 of 4 stars). 4 submissions from 4 submitters: Benign (1); Likely benign (2). 1 of the submissions does not count toward it. Last evaluated 2026-03-01.

Conditions:
NRXN2-related disorder. Also called: NRXN2-related condition.

Allele frequency attached by ClinVar (database versions not stated): 1000 Genomes Project 0.00100; 1000 Genomes Project 30x 0.00109; TOPMed 0.00182; gnomAD 0.00196 and 0.00202; gnomAD exomes 0.00231 and 0.00265; ExAC 0.00270; ESP Exome Variant Server 0.00277.
gnomAD v4.1: 4,147 of 1,614,202 alleles (0.26%); highest among the groups gnomAD compares: Non-Finnish European, 0.29%; 12 homozygotes.

Submissions (4):

CeGaT Center for Human Genetics Tuebingen
Classification: Likely benign. Last evaluated: 2026-03-01. Review status: criteria provided, single submitter. Criteria: CeGaT Center For Human Genetics Tuebingen Variant Classification Criteria Version 2. Collection method: clinical testing. Allele origin: germline. Affected: yes. Observed: 1 variant allele.
Comment: NRXN2: BP4, BS2

Blueprint Genetics
Classification: Likely benign. Last evaluated: 2024-11-07. Review status: criteria provided, single submitter. Criteria: ACMG Guidelines, 2015. Collection method: clinical testing. Allele origin: germline.

Genetic Services Laboratory, University of Chicago
Classification: Benign. Last evaluated: 2015-11-13. Review status: criteria provided, single submitter. Criteria: ACMG Guidelines, 2015. Collection method: clinical testing. Allele origin: germline. Affected: no.

PreventionGenetics, part of Exact Sciences
Classification: Likely benign for NRXN2-related condition. Last evaluated: 2019-11-16. Review status: no assertion criteria provided. Collection method: clinical testing. Allele origin: germline. Not counted in ClinVar's aggregate classification.
Comment: This variant is classified as likely benign based on ACMG/AMP sequence variant interpretation guidelines (Richards et al. 2015 PMID: 25741868, with internal and published modifications).